The following is an entry in ClinVar:

NM_177550.5(SLC13A5):c.503C>T (p.Ala168Val)

Gene: SLC13A5 (solute carrier family 13 member 5; minus strand). Cytogenetic location: 17p13.1.
Variant type: single nucleotide variant.
Coding change: c.503C>T on transcript NM_177550.5 (MANE Select); coding-DNA position 503, C replaced by T.
Protein change: p.Ala168Val; replaces alanine 168 with valine.
Molecular consequence: missense variant.
Genome position (GRCh38, 1-based): chr17:6,703,922, G>A on the plus strand (C>T on the coding strand, the complement: SLC13A5 is on the minus strand). VCF-style: chr17-6703922-G-A. GRCh37 (hg19) VCF-style: chr17-6607241-G-A.
Other names: c.503C>T, p.Ala168Val (NM_001143838.3); c.452C>T, p.Ala151Val (NM_001284509.2); c.374C>T, p.Ala125Val (NM_001284510.2); short protein forms A151V, A168V, A125V.
Identifiers: ClinVar variation 2099579 (VCV002099579.4), dbSNP rs2544640670, ClinGen allele CA397749990.

ClinVar aggregate classification (germline): Uncertain significance (1 of 4 stars; one submission).

Conditions:
Developmental and epileptic encephalopathy, 25 (DEE25). Also called: Developmental and epileptic encephalopathy 25, with amelogenesis imperfecta; Epileptic encephalopathy, early infantile, 25, with amelogenesis imperfecta; Epileptic encephalopathy, early infantile, 25. Identifiers: Orphanet 442835, MedGen C4014621, MONDO:0014392, OMIM 615905.

Submission:

Labcorp Genetics (formerly Invitae), Labcorp
Classification: Uncertain significance for Developmental and epileptic encephalopathy, 25. Last evaluated: 2022-02-19. Review status: criteria provided, single submitter. Criteria: Invitae Variant Classification Sherloc (09022015). Collection method: clinical testing. Allele origin: germline.
Comment: In summary, the available evidence is currently insufficient to determine the role of this variant in disease. Therefore, it has been classified as a Variant of Uncertain Significance. Algorithms developed to predict the effect of missense changes on protein structure and function (SIFT, PolyPhen-2, Align-GVGD) all suggest that this variant is likely to be tolerated. This variant has not been reported in the literature in individuals affected with SLC13A5-related conditions. This variant is not present in population databases (gnomAD no frequency). This sequence change replaces alanine, which is neutral and non-polar, with valine, which is neutral and non-polar, at codon 168 of the SLC13A5 protein (p.Ala168Val).